The following is an entry in ClinVar:

ClinVar aggregate classification (germline): Likely benign. Review status: criteria provided, single submitter (1 of 4 stars). 2 submissions from 2 submitters: Likely benign (1). 1 of the submissions does not count toward it. Last evaluated 2024-08-04.

Conditions:
BFSP1-related disorder. Also called: BFSP1-related condition.
Cataract 33. Also called: CATARACT 33, CORTICAL. Identifiers: Orphanet 91492, MedGen C3808107, MONDO:0012665, OMIM 611391.

Allele frequency attached by ClinVar (database versions not stated): ExAC 0.00002; gnomAD 0.00002; gnomAD exomes 0.00004; TOPMed 0.00005.
gnomAD v4.1: 59 of 1,614,048 alleles (0.0037%); highest among the groups gnomAD compares: Admixed American, 0.0083%; no homozygotes.

Submissions (2):

Labcorp Genetics (formerly Invitae), Labcorp
Classification: Likely benign for Cataract 33. Last evaluated: 2024-08-04. Review status: criteria provided, single submitter. Criteria: Invitae Variant Classification Sherloc (09022015). Collection method: clinical testing. Allele origin: germline.

PreventionGenetics, part of Exact Sciences
Classification: Likely benign for BFSP1-related condition. Last evaluated: 2019-12-31. Review status: no assertion criteria provided. Collection method: clinical testing. Allele origin: germline. Not counted in ClinVar's aggregate classification.
Comment: This variant is classified as likely benign based on ACMG/AMP sequence variant interpretation guidelines (Richards et al. 2015 PMID: 25741868, with internal and published modifications).

NM_001195.5(BFSP1):c.1521C>T (p.Asp507=)

Gene: BFSP1 (beaded filament structural protein 1; minus strand). Cytogenetic location: 20p12.1.
Variant type: single nucleotide variant.
Coding change: c.1521C>T on transcript NM_001195.5 (MANE Select); coding-DNA position 1521, C replaced by T.
Protein change: p.Asp507=; no amino-acid change (aspartic acid 507 retained).
Molecular consequence: synonymous variant.
Genome position (GRCh38, 1-based): chr20:17,494,551, G>A on the plus strand (C>T on the coding strand, the complement: BFSP1 is on the minus strand). VCF-style: chr20-17494551-G-A. GRCh37 (hg19) VCF-style: chr20-17475196-G-A.
Other names: c.1146C>T, p.Asp382= (NM_001161705.2); c.1104C>T, p.Asp368= (NM_001278606.2, NM_001278608.2); c.1188C>T, p.Asp396= (NM_001278607.2); c.1413C>T, p.Asp471= (NM_001424338.1).
Identifiers: ClinVar variation 3034575 (VCV003034575.4), dbSNP rs780034931, ClinGen allele CA9772038.